The following is an entry in ClinVar:

NM_000245.4(MET):c.12C>T (p.Pro4=)

Gene: MET (MET proto-oncogene, receptor tyrosine kinase; plus strand). Cytogenetic location: 7q31.2.
Variant type: single nucleotide variant.
Coding change: c.12C>T on transcript NM_000245.4 (MANE Select); coding-DNA position 12, C replaced by T.
Protein change: p.Pro4=; no amino-acid change (proline 4 retained).
Molecular consequence: synonymous variant. On other transcripts: intron variant (1).
Genome position (GRCh38, 1-based): chr7:116,699,096, C>T. VCF-style: chr7-116699096-C-T. GRCh37 (hg19) VCF-style: chr7-116339150-C-T.
Other names: c.12C>T, p.Pro4= (NM_001127500.3, NM_001324401.3); c.-91+26519C>T (NM_001324402.2); c.12C>T (NM_001127500.2).
Identifiers: ClinVar variation 358682 (VCV000358682.50), dbSNP rs772251895, ClinGen allele CA4447928.

ClinVar aggregate classification (germline): Benign/Likely benign. Review status: criteria provided, multiple submitters, no conflicts (2 of 4 stars). 7 submissions from 7 submitters: Benign (1); Likely benign (5). 1 of the submissions does not count toward it. Last evaluated 2025-11-26.

Conditions:
Renal cell carcinoma. Identifiers: Orphanet 217071, MedGen C0007134, MeSH D002292, MONDO:0005086, HP:0005584.
MET-related disorder. Also called: MET-related condition.
Hereditary cancer-predisposing syndrome. Also called: Hereditary Cancer Syndrome; Tumor predisposition; Neoplastic Syndromes, Hereditary; Hereditary neoplastic syndrome. Identifiers: Orphanet 140162, MedGen C0027672, MeSH D009386, MONDO:0015356.
Papillary renal cell carcinoma type 1 (RCCP1). Also called: RENAL CELL CARCINOMA, PAPILLARY, 1, SOMATIC; Renal adenocarcinoma; Renal cell carcinoma 1; Renal cell carcinoma, somatic. Identifiers: Orphanet 47044, MedGen C1336839, OMIM 605074, HP:0011797.

Allele frequency attached by ClinVar (database versions not stated): gnomAD exomes 0.00004 and 0.00010; gnomAD 0.00005 and 0.00006; TOPMed 0.00008; ExAC 0.00009.
gnomAD v4.1: 66 of 1,613,846 alleles (0.0041%); highest among the groups gnomAD compares: East Asian, 0.022%; no homozygotes.

Submissions (7):

Labcorp Genetics (formerly Invitae), Labcorp
Classification: Likely benign for Renal cell carcinoma. Last evaluated: 2025-11-26. Review status: criteria provided, single submitter. Criteria: Invitae Variant Classification Sherloc (09022015). Collection method: clinical testing. Allele origin: germline.

Center for Genomic Medicine, Rigshospitalet, Copenhagen University Hospital
Classification: Likely benign. Last evaluated: 2025-03-04. Review status: criteria provided, single submitter. Criteria: ACMG Guidelines, 2015. Collection method: clinical testing. Allele origin: germline.

Myriad Genetics, Inc.
Classification: Benign for Papillary renal cell carcinoma type 1. Last evaluated: 2024-11-05. Review status: criteria provided, single submitter. Criteria: Myriad Autosomal Dominant, Autosomal Recessive and X-Linked Classification Criteria (2023). Collection method: clinical testing. Allele origin: unknown.
Comment: This variant is considered benign. This variant is a silent/synonymous amino acid change and it is not expected to impact splicing.

CeGaT Center for Human Genetics Tuebingen
Classification: Likely benign. Last evaluated: 2023-05-01. Review status: criteria provided, single submitter. Criteria: CeGaT Center For Human Genetics Tuebingen Variant Classification Criteria Version 2. Collection method: clinical testing. Allele origin: germline. Affected: yes. Observed: 3 variant alleles.
Comment: MET: BP4, BP7

Illumina Laboratory Services, Illumina
Classification: Likely benign for Papillary renal cell carcinoma type 1. Last evaluated: 2018-01-12. Review status: criteria provided, single submitter. Criteria: ICSL Variant Classification Criteria 13 December 2019. Collection method: clinical testing. Allele origin: germline.
Comment: This variant was observed in the ICSL laboratory as part of a predisposition screen in an ostensibly healthy population. It had not been previously curated by ICSL or reported in the Human Gene Mutation Database (HGMD: prior to June 1st, 2018), and was therefore a candidate for classification through an automated scoring system. Utilizing variant allele frequency, disease prevalence and penetrance estimates, and inheritance mode, an automated score was calculated to assess if this variant is too frequent to cause the disease. Based on the score and internal cut-off values, a variant classified as likely benign is not then subjected to further curation. The score for this variant resulted in a classification of likely benign for this disease.

Ambry Genetics
Classification: Likely benign for Hereditary cancer-predisposing syndrome. Last evaluated: 2015-03-27. Review status: criteria provided, single submitter. Criteria: Ambry Variant Classification Scheme 2023. Collection method: clinical testing. Allele origin: germline.

PreventionGenetics, part of Exact Sciences
Classification: Likely benign for MET-related condition. Last evaluated: 2020-03-24. Review status: no assertion criteria provided. Collection method: clinical testing. Allele origin: germline. Not counted in ClinVar's aggregate classification.
Comment: This variant is classified as likely benign based on ACMG/AMP sequence variant interpretation guidelines (Richards et al. 2015 PMID: 25741868, with internal and published modifications).